The following is an entry in ClinVar:

ClinVar aggregate classification (germline): Uncertain significance. Review status: criteria provided, multiple submitters, no conflicts (2 of 4 stars). 2 submissions from 2 submitters: Uncertain significance (2). Last evaluated 2023-11-13.

Conditions:
Finnish type amyloidosis. Also called: AMYLOID CRANIAL NEUROPATHY WITH LATTICE CORNEAL DYSTROPHY; AMYLOIDOSIS DUE TO MUTANT GELSOLIN; Amyloidosis, familial, Finnish type; Meretoja type amyloidosis; Amyloidosis 5; Lattice corneal dystrophy associated with familial systemic amyloidosis. Identifiers: Orphanet 85448, MedGen C1622345, MONDO:0007097, OMIM 105120.

Allele frequency attached by ClinVar (database versions not stated): gnomAD exomes below 0.00001; TOPMed 0.00001.
gnomAD v4.1: 1 of 1,614,132 alleles (0.000062%); highest among the groups gnomAD compares: Non-Finnish European, 0.000085%; no homozygotes.

Submissions (2):

Labcorp Genetics (formerly Invitae), Labcorp
Classification: Uncertain significance. Last evaluated: 2023-11-13. Review status: criteria provided, single submitter. Criteria: Invitae Variant Classification Sherloc (09022015). Collection method: clinical testing. Allele origin: germline.
Comment: This sequence change replaces glycine, which is neutral and non-polar, with serine, which is neutral and polar, at codon 213 of the GSN protein (p.Gly213Ser). This variant is not present in population databases (gnomAD no frequency). This variant has not been reported in the literature in individuals affected with GSN-related conditions. ClinVar contains an entry for this variant (Variation ID: 1449868). Advanced modeling of protein sequence and biophysical properties (such as structural, functional, and spatial information, amino acid conservation, physicochemical variation, residue mobility, and thermodynamic stability) performed at Invitae indicates that this missense variant is not expected to disrupt GSN protein function with a negative predictive value of 80%. In summary, the available evidence is currently insufficient to determine the role of this variant in disease. Therefore, it has been classified as a Variant of Uncertain Significance.

Fulgent Genetics
Classification: Uncertain significance for Finnish type amyloidosis. Last evaluated: 2022-02-24. Review status: criteria provided, single submitter. Criteria: ACMG Guidelines, 2015. Collection method: clinical testing. Allele origin: unknown.

NM_198252.3(GSN):c.484G>A (p.Gly162Ser)

Gene: GSN (gelsolin; plus strand). Cytogenetic location: 9q33.2.
Variant type: single nucleotide variant.
Coding change: c.484G>A on transcript NM_198252.3 (MANE Select); coding-DNA position 484, G replaced by A.
Protein change: p.Gly162Ser; replaces glycine 162 with serine.
Molecular consequence: missense variant. On other transcripts: 5 prime UTR variant (1).
Genome position (GRCh38, 1-based): chr9:121,310,816, G>A. VCF-style: chr9-121310816-G-A. GRCh37 (hg19) VCF-style: chr9-124073094-G-A.
Other names: c.637G>A, p.Gly213Ser (NM_000177.5); c.484G>A, p.Gly162Ser (NM_001127662.2, NM_001127664.2, NM_001127665.2 and 10 more transcripts); c.592G>A, p.Gly198Ser (NM_001127663.2); c.517G>A, p.Gly173Ser (NM_001127666.2, NM_001127667.2, NM_001353063.2 and 13 more transcripts); c.535G>A, p.Gly179Ser (NM_001258029.2); c.508G>A, p.Gly170Ser (NM_001258030.2); c.556G>A, p.Gly186Ser (NM_001353076.2); c.-171G>A (NM_001353078.2); short protein forms G162S, G173S, G179S, G198S, G170S, G213S, G186S.
Identifiers: ClinVar variation 1449868 (VCV001449868.7), dbSNP rs1355688870, ClinGen allele CA374739236.
Genomic context (GRCh38, chr9:121,310,816, plus strand): 5'-AAAGGGCGGCGTGTGGTCCGTGCCACCGAGGTACCTGTGTCCTGGGAGAGCTTCAACAAT[G>A]GCGACTGCTTCATCCTGGACCTGGGCAACGTGAGTCCTGCTTTCCTCTTTCCCAGGAGCC-3'
Protein context (NP_937895.1, residues 152-172): VPVSWESFNN[Gly162Ser]DCFILDLGNN